The following is an entry in ClinVar:

ClinVar aggregate classification (germline): Uncertain significance (1 of 4 stars; one submission).

Submission:

GeneDx
Classification: Uncertain significance. Last evaluated: 2025-05-27. Review status: criteria provided, single submitter. Criteria: GeneDx Variant Classification Process June 2021. Collection method: clinical testing. Allele origin: germline. Affected: yes.
Comment: Not observed at significant frequency in large population cohorts (gnomAD); In silico analysis supports that this missense variant has a deleterious effect on protein structure/function; Has not been previously published as pathogenic or benign to our knowledge

NM_130811.4(SNAP25):c.523A>G (p.Asn175Asp)

Gene: SNAP25 (synaptosome associated protein 25; plus strand). Cytogenetic location: 20p12.2.
Variant type: single nucleotide variant.
Coding change: c.523A>G on transcript NM_130811.4 (MANE Select); coding-DNA position 523, A replaced by G.
Protein change: p.Asn175Asp; replaces asparagine 175 with aspartic acid.
Molecular consequence: missense variant.
Genome position (GRCh38, 1-based): chr20:10,299,383, A>G. VCF-style: chr20-10299383-A-G. GRCh37 (hg19) VCF-style: chr20-10280031-A-G.
Other names: c.523A>G, p.Asn175Asp (NM_001322902.2, NM_001322903.2, NM_001322904.2 and 9 more transcripts); short protein forms N175D.
Identifiers: ClinVar variation 4532441 (VCV004532441.1).
Genomic context (GRCh38, chr20:10,299,383, plus strand): 5'-GGCATCATCGGGAACCTCCGTCACATGGCCCTGGATATGGGCAATGAGATCGATACACAG[A>G]ATCGCCAGATCGACAGGATCATGGAGAAGGTGAGCACGTGGCAGTCAGCAAGTCCCTACT-3'
Protein context (NP_570824.1, residues 165-185): LDMGNEIDTQ[Asn175Asp]RQIDRIMEKA